The following is an entry in ClinVar:

ClinVar aggregate classification (germline): Uncertain significance (0 of 4 stars; one submission).

Conditions:
CEP290-related disorder. Also called: CEP290-related condition; CEP290-related disorders. Identifiers: MedGen CN239314.

gnomAD v4.1: 1 of 1,594,618 alleles (0.000063%); highest among the groups gnomAD compares: African/African-American, 0.0013%; no homozygotes.

Submission:

PreventionGenetics, part of Exact Sciences
Classification: Uncertain significance for CEP290-related condition. Last evaluated: 2024-05-22. Review status: no assertion criteria provided. Collection method: clinical testing. Allele origin: germline.
Comment: The CEP290 c.4211A>G variant is predicted to result in the amino acid substitution p.Gln1404Arg. To our knowledge, this variant has not been reported in the literature or in a large population database, indicating this variant is rare. At this time, the clinical significance of this variant is uncertain due to the absence of conclusive functional and genetic evidence.

NM_025114.4(CEP290):c.4211A>G (p.Gln1404Arg)

Gene: CEP290 (centrosomal protein 290; minus strand). Cytogenetic location: 12q21.32.
Variant type: single nucleotide variant.
Coding change: c.4211A>G on transcript NM_025114.4 (MANE Select); coding-DNA position 4211, A replaced by G.
Protein change: p.Gln1404Arg; replaces glutamine 1404 with arginine.
Molecular consequence: missense variant.
Genome position (GRCh38, 1-based): chr12:88,086,482, T>C on the plus strand (A>G on the coding strand, the complement: CEP290 is on the minus strand). VCF-style: chr12-88086482-T-C. GRCh37 (hg19) VCF-style: chr12-88480259-T-C.
Other names: short protein forms Q1404R.
Identifiers: ClinVar variation 3356772 (VCV003356772.1).